The following is an entry in ClinVar:

ClinVar aggregate classification (germline): Likely benign (0 of 4 stars; one submission).

Conditions:
TLR1-related disorder. Also called: TLR1-related condition.

Submission:

PreventionGenetics, part of Exact Sciences
Classification: Likely benign for TLR1-related condition. Last evaluated: 2021-04-09. Review status: no assertion criteria provided. Collection method: clinical testing. Allele origin: germline.
Comment: This variant is classified as likely benign based on ACMG/AMP sequence variant interpretation guidelines (Richards et al. 2015 PMID: 25741868, with internal and published modifications).

NM_003263.4(TLR1):c.1755C>T (p.Thr585=)

Gene: TLR1 (toll like receptor 1; minus strand). Cytogenetic location: 4p14.
Variant type: single nucleotide variant.
Coding change: c.1755C>T on transcript NM_003263.4 (MANE Select); coding-DNA position 1755, C replaced by T.
Protein change: p.Thr585=; no amino-acid change (threonine 585 retained).
Molecular consequence: synonymous variant.
Genome position (GRCh38, 1-based): chr4:38,797,077, G>A on the plus strand (C>T on the coding strand, the complement: TLR1 is on the minus strand). VCF-style: chr4-38797077-G-A. GRCh37 (hg19) VCF-style: chr4-38798698-G-A.
Identifiers: ClinVar variation 3030029 (VCV003030029.2), dbSNP rs2529515013, ClinGen allele CA439133130.